The following is an entry in ClinVar:

NM_001378454.1(ALMS1):c.4937C>G (p.Ala1646Gly)

Gene: ALMS1 (ALMS1 centrosome and basal body associated protein; plus strand). Cytogenetic location: 2p13.1.
Variant type: single nucleotide variant.
Coding change: c.4937C>G on transcript NM_001378454.1 (MANE Select); coding-DNA position 4937, C replaced by G.
Protein change: p.Ala1646Gly; replaces alanine 1646 with glycine.
Molecular consequence: missense variant.
Genome position (GRCh38, 1-based): chr2:73,451,464, C>G. VCF-style: chr2-73451464-C-G. GRCh37 (hg19) VCF-style: chr2-73678591-C-G.
Other names: c.4940C>G, p.Ala1647Gly (NM_015120.4); short protein forms A1647G, A1646G.
Identifiers: ClinVar variation 4998698 (VCV004998698.1).

ClinVar aggregate classification (germline): Uncertain significance (1 of 4 stars; one submission).

Conditions:
ALMS1-related disorder. Also called: ALMS1-related condition.

Submission:

PreventionGenetics, part of Exact Sciences
Classification: Uncertain significance for ALMS1-related condition. Last evaluated: 2025-12-31. Review status: criteria provided, single submitter. Criteria: ACMG Guidelines, 2015. Collection method: clinical testing. Allele origin: germline.
Comment: The ALMS1 c.4940C>G variant is predicted to result in the amino acid substitution p.Pro1647Arg. To our knowledge, this variant has not been reported in the literature or in a large population database (gnomAD), indicating this variant is rare. At this time, the clinical significance of this variant is uncertain due to the absence of conclusive functional and genetic evidence.